The following is an entry in ClinVar:

ClinVar aggregate classification (germline): Uncertain significance (1 of 4 stars; one submission).

Conditions:
Cardiovascular phenotype. Identifiers: MedGen CN230736.
Hereditary cancer-predisposing syndrome. Also called: Tumor predisposition; Hereditary neoplastic syndrome; Neoplastic Syndromes, Hereditary; Hereditary Cancer Syndrome. Identifiers: Orphanet 140162, MedGen C0027672, MeSH D009386, MONDO:0015356.

Submission:

Ambry Genetics
Classification: Uncertain significance for Cardiovascular phenotype; Hereditary cancer-predisposing syndrome. Last evaluated: 2025-04-03. Review status: criteria provided, single submitter. Criteria: Ambry Variant Classification Scheme 2023. Collection method: clinical testing. Allele origin: germline.
Comment: The p.H178Y variant (also known as c.532C>T), located in coding exon 6 of the LZTR1 gene, results from a C to T substitution at nucleotide position 532. The histidine at codon 178 is replaced by tyrosine, an amino acid with similar properties. This amino acid position is conserved. In addition, this alteration is predicted to be deleterious by in silico analysis. Based on the available evidence, the clinical significance of this variant remains unclear.

NM_006767.4(LZTR1):c.532C>T (p.His178Tyr)

Gene: LZTR1 (leucine zipper like post translational regulator 1; plus strand). Cytogenetic location: 22q11.21.
Variant type: single nucleotide variant.
Coding change: c.532C>T on transcript NM_006767.4 (MANE Select); coding-DNA position 532, C replaced by T.
Protein change: p.His178Tyr; replaces histidine 178 with tyrosine.
Molecular consequence: missense variant.
Genome position (GRCh38, 1-based): chr22:20,988,811, C>T. VCF-style: chr22-20988811-C-T. GRCh37 (hg19) VCF-style: chr22-21343100-C-T.
Other names: short protein forms H178Y.
Identifiers: ClinVar variation 3984278 (VCV003984278.1).
Genomic context (GRCh38, chr22:20,988,811, plus strand): 5'-GGCGGCCTCACTCCCTCCCCTCTTCCCTCACACTCCAGGTTGCCAGTCGCTAGGTCAGCC[C>T]ATGGGGCCACGGTGTACAGTGACAAGCTGTGGATCTTTGCTGGCTATGACGGCAACGCCA-3'
Protein context (NP_006758.2, residues 168-188): EGRLPVARSA[His178Tyr]GATVYSDKLW